The following is an entry in ClinVar:

ClinVar aggregate classification (germline): Likely benign (1 of 4 stars; one submission).

Allele frequency attached by ClinVar (database versions not stated): gnomAD 0.00823 and 0.00876; TOPMed 0.00908; 1000 Genomes Project 0.01018; 1000 Genomes Project 30x 0.01156.

Submission:

GeneDx
Classification: Likely benign. Last evaluated: 2018-06-14. Review status: criteria provided, single submitter. Criteria: GeneDx Variant Classification (06012015). Collection method: clinical testing. Allele origin: germline. Affected: yes.
Comment: This variant is considered likely benign or benign based on one or more of the following criteria: it is a conservative change, it occurs at a poorly conserved position in the protein, it is predicted to be benign by multiple in silico algorithms, and/or has population frequency not consistent with disease.

NM_024334.3(TMEM43):c.513-285T>C

Gene: TMEM43 (transmembrane protein 43; plus strand). Cytogenetic location: 3p25.1.
Variant type: single nucleotide variant.
Coding change: c.513-285T>C on transcript NM_024334.3 (MANE Select); 285 bases into the intron before coding-DNA position 513, T replaced by C.
Molecular consequence: intron variant.
Genome position (GRCh38, 1-based): chr3:14,133,454, T>C. VCF-style: chr3-14133454-T-C. GRCh37 (hg19) VCF-style: chr3-14174954-T-C.
Identifiers: ClinVar variation 672907 (VCV000672907.1), dbSNP rs116264282, ClinGen allele CA69730351.